The following is an entry in ClinVar:

NM_017841.4(SDHAF2):c.317A>G (p.Asp106Gly)

Gene: SDHAF2 (succinate dehydrogenase complex assembly factor 2; plus strand). Cytogenetic location: 11q12.2.
Variant type: single nucleotide variant.
Coding change: c.317A>G on transcript NM_017841.4 (MANE Select); coding-DNA position 317, A replaced by G.
Protein change: p.Asp106Gly; replaces aspartic acid 106 with glycine.
Molecular consequence: missense variant.
Genome position (GRCh38, 1-based): chr11:61,438,060, A>G. VCF-style: chr11-61438060-A-G. GRCh37 (hg19) VCF-style: chr11-61205532-A-G.
Other names: short protein forms D106G.
Identifiers: ClinVar variation 2724402 (VCV002724402.3), dbSNP rs1180336758, ClinGen allele CA380684140.

ClinVar aggregate classification (germline): Uncertain significance (1 of 4 stars; one submission).

Conditions:
Hereditary pheochromocytoma and paraganglioma. Also called: Hereditary Paraganglioma-Pheochromocytoma Syndromes; Hereditary pheochromocytoma-paraganglioma; Hereditary paragangliomas and pheochromocytomas. Identifiers: Orphanet 29072, MedGen C4274332, MONDO:0017366.

Submission:

Labcorp Genetics (formerly Invitae), Labcorp
Classification: Uncertain significance for Hereditary pheochromocytoma and paraganglioma. Last evaluated: 2023-12-31. Review status: criteria provided, single submitter. Criteria: Invitae Variant Classification Sherloc (09022015). Collection method: clinical testing. Allele origin: germline.
Comment: This sequence change replaces aspartic acid, which is acidic and polar, with glycine, which is neutral and non-polar, at codon 106 of the SDHAF2 protein (p.Asp106Gly). This variant is not present in population databases (gnomAD no frequency). This variant has not been reported in the literature in individuals affected with SDHAF2-related conditions. An algorithm developed to predict the effect of missense changes on protein structure and function (PolyPhen-2) suggests that this variant is likely to be disruptive. In summary, the available evidence is currently insufficient to determine the role of this variant in disease. Therefore, it has been classified as a Variant of Uncertain Significance.